The following is an entry in ClinVar:

ClinVar aggregate classification (germline): Uncertain significance. Review status: criteria provided, multiple submitters, no conflicts (2 of 4 stars). 2 submissions from 2 submitters: Uncertain significance (2). Last evaluated 2024-08-29.

Conditions:
Intellectual disability. Also called: Intellectual functioning disability; intellectual disabilities; Intellectual developmental disorder. Identifiers: MedGen C3714756, MeSH D008607, MONDO:0001071, HP:0001249.

Allele frequency attached by ClinVar (database versions not stated): TOPMed below 0.00001.

Submissions (2):

GeneDx
Classification: Uncertain significance. Last evaluated: 2024-08-29. Review status: criteria provided, single submitter. Criteria: GeneDx Variant Classification Process June 2021. Collection method: clinical testing. Allele origin: germline. Affected: yes.
Comment: Not observed at significant frequency in large population cohorts (gnomAD); In silico analysis supports that this missense variant has a deleterious effect on protein structure/function; Has not been previously published as pathogenic or benign to our knowledge; This variant is associated with the following publications: (PMID: 38014242)

Labcorp Genetics (formerly Invitae), Labcorp
Classification: Uncertain significance for Intellectual disability. Last evaluated: 2024-04-24. Review status: criteria provided, single submitter. Criteria: Invitae Variant Classification Sherloc (09022015). Collection method: clinical testing. Allele origin: germline.
Comment: This sequence change replaces arginine, which is basic and polar, with tryptophan, which is neutral and slightly polar, at codon 489 of the GABRB2 protein (p.Arg489Trp). This variant is not present in population databases (gnomAD no frequency). This variant has not been reported in the literature in individuals affected with GABRB2-related conditions. ClinVar contains an entry for this variant (Variation ID: 2429722). Advanced modeling of protein sequence and biophysical properties (such as structural, functional, and spatial information, amino acid conservation, physicochemical variation, residue mobility, and thermodynamic stability) has been performed at Invitae for this missense variant, however the output from this modeling did not meet the statistical confidence thresholds required to predict the impact of this variant on GABRB2 protein function. In summary, the available evidence is currently insufficient to determine the role of this variant in disease. Therefore, it has been classified as a Variant of Uncertain Significance.

NM_001371727.1(GABRB2):c.1465C>T (p.Arg489Trp)

Gene: GABRB2 (gamma-aminobutyric acid type A receptor subunit beta2; minus strand). Cytogenetic location: 5q34.
Variant type: single nucleotide variant.
Coding change: c.1465C>T on transcript NM_001371727.1 (MANE Select); coding-DNA position 1465, C replaced by T.
Protein change: p.Arg489Trp; replaces arginine 489 with tryptophan.
Molecular consequence: missense variant.
Genome position (GRCh38, 1-based): chr5:161,294,155, G>A on the plus strand (C>T on the coding strand, the complement: GABRB2 is on the minus strand). VCF-style: chr5-161294155-G-A. GRCh37 (hg19) VCF-style: chr5-160721162-G-A.
Other names: c.1351C>T, p.Arg451Trp (NM_000813.3); c.1465C>T, p.Arg489Trp (NM_021911.3); short protein forms R451W, R489W.
Identifiers: ClinVar variation 2429722 (VCV002429722.4), dbSNP rs867108626, ClinGen allele CA362172981.